The following is an entry in ClinVar:

ClinVar aggregate classification (germline): Pathogenic (1 of 4 stars; one submission).

Conditions:
Hereditary breast ovarian cancer syndrome. Also called: Hereditary breast and ovarian cancer syndrome (HBOC); Breast and ovarian cancer; BRCA1- and BRCA2-Associated Hereditary Breast and Ovarian Cancer; Hereditary breast and ovarian cancer syndrome; Hereditary breast and ovarian cancer; Hereditary breast and/or ovarian cancer syndrome. Identifiers: Orphanet 145, MedGen C0677776, MeSH D061325, MONDO:0003582. Disease mechanism: loss of function.

Submission:

Labcorp Genetics (formerly Invitae), Labcorp
Classification: Pathogenic for Hereditary breast ovarian cancer syndrome. Last evaluated: 2023-11-17. Review status: criteria provided, single submitter. Criteria: Invitae Variant Classification Sherloc (09022015). Collection method: clinical testing. Allele origin: germline.
Comment: This sequence change creates a premature translational stop signal (p.Lys322*) in the BRCA2 gene. It is expected to result in an absent or disrupted protein product. Loss-of-function variants in BRCA2 are known to be pathogenic (PMID: 20104584). This variant is not present in population databases (gnomAD no frequency). This variant has not been reported in the literature in individuals affected with BRCA2-related conditions. For these reasons, this variant has been classified as Pathogenic.

Literature cited by the submitters: PubMed 20104584.

NM_000059.4(BRCA2):c.964A>T (p.Lys322Ter)

Gene: BRCA2 (BRCA2 DNA repair associated; plus strand). Cytogenetic location: 13q13.1.
Variant type: single nucleotide variant.
Coding change: c.964A>T on transcript NM_000059.4 (MANE Select); coding-DNA position 964, A replaced by T.
Protein change: p.Lys322Ter; replaces lysine 322 with a stop codon.
Molecular consequence: nonsense. On other transcripts: non-coding transcript variant (1), intron variant (1).
Genome position (GRCh38, 1-based): chr13:32,332,442, A>T. VCF-style: chr13-32332442-A-T. GRCh37 (hg19) VCF-style: chr13-32906579-A-T.
Other names: c.964A>T, p.Lys322Ter (NM_001406719.1, NM_001406720.1, NM_001406721.1); c.424+1412A>T (NM_001406722.1); short protein forms K322*.
Identifiers: ClinVar variation 2836793 (VCV002836793.3), dbSNP rs11571640, ClinGen allele CA387760896.